The following is an entry in ClinVar:

ClinVar aggregate classification (germline): Likely benign (1 of 4 stars; one submission).

gnomAD v4.1: 1 of 1,608,164 alleles (0.000062%); highest among the groups gnomAD compares: South Asian, 0.0011%; no homozygotes.

Submission:

CeGaT Center for Human Genetics Tuebingen
Classification: Likely benign. Last evaluated: 2026-05-01. Review status: criteria provided, single submitter. Criteria: CeGaT Center For Human Genetics Tuebingen Variant Classification Criteria Version 2. Collection method: clinical testing. Allele origin: germline. Affected: yes. Observed: 1 variant allele.
Comment: CDC42BPB: BP4, BP7

NM_006035.4(CDC42BPB):c.4920G>T (p.Ser1640=)

Gene: CDC42BPB (CDC42 binding protein kinase beta; minus strand). Cytogenetic location: 14q32.32.
Variant type: single nucleotide variant.
Coding change: c.4920G>T on transcript NM_006035.4 (MANE Select); coding-DNA position 4920, G replaced by T.
Protein change: p.Ser1640=; no amino-acid change (serine 1640 retained).
Molecular consequence: synonymous variant.
Genome position (GRCh38, 1-based): chr14:102,938,319, C>A on the plus strand (G>T on the coding strand, the complement: CDC42BPB is on the minus strand). VCF-style: chr14-102938319-C-A. GRCh37 (hg19) VCF-style: chr14-103404656-C-A.
Other names: c.4842G>T, p.Ser1614= (NM_001411054.1).
Identifiers: ClinVar variation 4874061 (VCV004874061.2).
Genomic context (GRCh38, chr14:102,938,319, plus strand): 5'-TACCCCCCACCTCCCCCAGGGCTGCGGGGGCCAGGCTTCCCCTGTACCTGATGAGGGCCA[C>A]GAGATGTAGGGCTTGTTCCTGGATGGAGGCTGGCGAGCCAGGTTGGTGGGAGCGGGGCCC-3'
Protein context (NP_006026.3, residues 1630-1650): QPPSRNKPYI[Ser1640=]WPSSGGSEPS